The following is an entry in ClinVar:

NM_016030.6(TRAPPC12):c.68C>G (p.Pro23Arg)

Gene: TRAPPC12 (trafficking protein particle complex subunit 12; plus strand). Cytogenetic location: 2p25.3.
Variant type: single nucleotide variant.
Coding change: c.68C>G on transcript NM_016030.6 (MANE Select); coding-DNA position 68, C replaced by G.
Protein change: p.Pro23Arg; replaces proline 23 with arginine.
Molecular consequence: missense variant.
Genome position (GRCh38, 1-based): chr2:3,387,691, C>G. VCF-style: chr2-3387691-C-G. GRCh37 (hg19) VCF-style: chr2-3391462-C-G.
Other names: c.68C>G, p.Pro23Arg (NM_001321102.2); short protein forms P23R.
Identifiers: ClinVar variation 3682144 (VCV003682144.2).

ClinVar aggregate classification (germline): Uncertain significance (1 of 4 stars; one submission).

Submission:

Labcorp Genetics (formerly Invitae), Labcorp
Classification: Uncertain significance. Last evaluated: 2024-03-16. Review status: criteria provided, single submitter. Criteria: Invitae Variant Classification Sherloc (09022015). Collection method: clinical testing. Allele origin: germline.
Comment: This sequence change replaces proline, which is neutral and non-polar, with arginine, which is basic and polar, at codon 23 of the TRAPPC12 protein (p.Pro23Arg). This variant is not present in population databases (gnomAD no frequency). This variant has not been reported in the literature in individuals affected with TRAPPC12-related conditions. Advanced modeling of protein sequence and biophysical properties (such as structural, functional, and spatial information, amino acid conservation, physicochemical variation, residue mobility, and thermodynamic stability) performed at Invitae indicates that this missense variant is not expected to disrupt TRAPPC12 protein function with a negative predictive value of 80%. In summary, the available evidence is currently insufficient to determine the role of this variant in disease. Therefore, it has been classified as a Variant of Uncertain Significance.